The following is an entry in ClinVar:

NM_001042492.3(NF1):c.3814C>T (p.Gln1272Ter)

Gene: NF1 (neurofibromin 1; plus strand). Cytogenetic location: 17q11.2.
Variant type: single nucleotide variant.
Coding change: c.3814C>T on transcript NM_001042492.3 (MANE Select); coding-DNA position 3814, C replaced by T.
Protein change: p.Gln1272Ter; replaces glutamine 1272 with a stop codon.
Molecular consequence: nonsense.
Genome position (GRCh38, 1-based): chr17:31,235,716, C>T. VCF-style: chr17-31235716-C-T. GRCh37 (hg19) VCF-style: chr17-29562734-C-T.
Other names: c.3814C>T, p.Gln1272Ter (NM_000267.4); short protein forms Q1272*.
Identifiers: ClinVar variation 943279 (VCV000943279.14), dbSNP rs2067188361, ClinGen allele CA398992704.

ClinVar aggregate classification (germline): Pathogenic. Review status: criteria provided, multiple submitters, no conflicts (2 of 4 stars). 5 submissions from 5 submitters: Pathogenic (5). Last evaluated 2024-04-11.

Conditions:
Neurofibromatosis, type 1 (NF1). Also called: NEUROFIBROMATOSIS, TYPE I, SOMATIC; VON RECKLINGHAUSEN DISEASE; Peripheral type neurofibromatosis; Neurofibromatosis, type I. Identifiers: Orphanet 636, MedGen C0027831, MONDO:0018975, OMIM 162200. Disease mechanism: loss of function.
Juvenile myelomonocytic leukemia (JMML). Also called: LEUKEMIA, JUVENILE MYELOMONOCYTIC, SOMATIC. Identifiers: Orphanet 86834, MedGen C0349639, MONDO:0011908, OMIM 607785, HP:0012209.
Hereditary cancer-predisposing syndrome. Also called: Hereditary neoplastic syndrome; Neoplastic Syndromes, Hereditary; Hereditary Cancer Syndrome; Tumor predisposition. Identifiers: Orphanet 140162, MedGen C0027672, MeSH D009386, MONDO:0015356.
Cardiovascular phenotype. Identifiers: MedGen CN230736.

Submissions (5):

Labcorp Genetics (formerly Invitae), Labcorp
Classification: Pathogenic for Neurofibromatosis, type 1. Last evaluated: 2024-04-11. Review status: criteria provided, single submitter. Criteria: Invitae Variant Classification Sherloc (09022015). Collection method: clinical testing. Allele origin: germline.
Comment: This sequence change creates a premature translational stop signal (p.Gln1272*) in the NF1 gene. It is expected to result in an absent or disrupted protein product. Loss-of-function variants in NF1 are known to be pathogenic (PMID: 10712197, 23913538). This variant is not present in population databases (gnomAD no frequency). This variant has not been reported in the literature in individuals affected with NF1-related conditions. ClinVar contains an entry for this variant (Variation ID: 943279). For these reasons, this variant has been classified as Pathogenic.

Ambry Genetics
Classification: Pathogenic for Cardiovascular phenotype; Hereditary cancer-predisposing syndrome. Last evaluated: 2023-05-08. Review status: criteria provided, single submitter. Criteria: Ambry Variant Classification Scheme 2023. Collection method: clinical testing. Allele origin: germline.
Comment: The p.Q1272* pathogenic mutation (also known as c.3814C>T), located in coding exon 28 of the NF1 gene, results from a C to T substitution at nucleotide position 3814. This changes the amino acid from a glutamine to a stop codon within coding exon 28. This alteration was identified amongst a cohort of 1985 patients with a clinical diagnosis or symptoms of NF1 (van Minkelen R et al. Clin Genet, 2014 Apr;85:318-27). This variant is considered to be rare based on population cohorts in the Genome Aggregation Database (gnomAD). In addition to the clinical data presented in the literature, this alteration is expected to result in loss of function by premature protein truncation or nonsense-mediated mRNA decay. As such, this alteration is interpreted as a disease-causing mutation.

Baylor Genetics
Classification: Pathogenic for Juvenile myelomonocytic leukemia. Last evaluated: 2023-01-04. Review status: criteria provided, single submitter. Criteria: ACMG Guidelines, 2015. Collection method: clinical testing. Allele origin: unknown.

GeneDx
Classification: Pathogenic. Last evaluated: 2022-10-07. Review status: criteria provided, single submitter. Criteria: GeneDx Variant Classification Process June 2021. Collection method: clinical testing. Allele origin: germline.
Comment: Nonsense variant predicted to result in protein truncation or nonsense mediated decay in a gene for which loss-of-function is a known mechanism of disease; Not observed at significant frequency in large population cohorts (gnomAD); This variant is associated with the following publications: (PMID: 23656349)

Genome-Nilou Lab
Classification: Pathogenic for Neurofibromatosis, type 1. Last evaluated: 2022-03-15. Review status: criteria provided, single submitter. Criteria: ACMG Guidelines, 2015. Collection method: clinical testing. Allele origin: germline. Affected: no.

Literature cited by the submitters: PubMed 10712197 (cited by Labcorp Genetics (formerly Invitae), Labcorp); PubMed 23913538 (cited by Labcorp Genetics (formerly Invitae), Labcorp).